The following is an entry in ClinVar:

NM_000222.3(KIT):c.1658A>G (p.Tyr553Cys)

Gene: KIT (KIT proto-oncogene, receptor tyrosine kinase; plus strand). Cytogenetic location: 4q12.
Variant type: single nucleotide variant.
Coding change: c.1658A>G on transcript NM_000222.3 (MANE Select); coding-DNA position 1658, A replaced by G.
Protein change: p.Tyr553Cys; replaces tyrosine 553 with cysteine.
Molecular consequence: missense variant.
Genome position (GRCh38, 1-based): chr4:54,727,426, A>G. VCF-style: chr4-54727426-A-G. GRCh37 (hg19) VCF-style: chr4-55593592-A-G.
Other names: c.1646A>G, p.Tyr549Cys (NM_001093772.2, NM_001385286.1); c.1661A>G, p.Tyr554Cys (NM_001385284.1, NM_001385290.1); c.1658A>G, p.Tyr553Cys (NM_001385285.1); c.1649A>G, p.Tyr550Cys (NM_001385288.1, NM_001385292.1); short protein forms Y553C, Y549C, Y550C, Y554C.
Identifiers: ClinVar variation 458884 (VCV000458884.11), dbSNP rs1553891726, ClinGen allele CA356907437.
Genomic context (GRCh38, chr4:54,727,426, plus strand): 5'-TGAGACAATAATTATTAAAAGGTGATCTATTTTTCCCTTTCTCCCCACAGAAACCCATGT[A>G]TGAAGTACAGTGGAAGGTTGTTGAGGAGATAAATGGAAACAATTATGTTTACATAGACCC-3'
Protein context (NP_000213.1, residues 543-563): LTYKYLQKPM[Tyr553Cys]EVQWKVVEEI

ClinVar aggregate classification (germline): Uncertain significance. Review status: criteria provided, multiple submitters, no conflicts (2 of 4 stars). 2 submissions from 2 submitters: Uncertain significance (2). Last evaluated 2023-04-04.

Conditions:
Gastrointestinal stromal tumor. Also called: Gastrointestinal stroma tumor; Gastrointestinal stromal tumor, somatic. Identifiers: Orphanet 44890, MedGen C0238198, MeSH D046152, MONDO:0011719, OMIM 606764, HP:0100723.
Hereditary cancer-predisposing syndrome. Also called: Tumor predisposition; Hereditary neoplastic syndrome; Neoplastic Syndromes, Hereditary; Hereditary Cancer Syndrome. Identifiers: Orphanet 140162, MedGen C0027672, MeSH D009386, MONDO:0015356.

Submissions (2):

Labcorp Genetics (formerly Invitae), Labcorp
Classification: Uncertain significance for Gastrointestinal stromal tumor. Last evaluated: 2023-04-04. Review status: criteria provided, single submitter. Criteria: Invitae Variant Classification Sherloc (09022015). Collection method: clinical testing. Allele origin: germline.
Comment: This sequence change replaces tyrosine, which is neutral and polar, with cysteine, which is neutral and slightly polar, at codon 553 of the KIT protein (p.Tyr553Cys). In summary, the available evidence is currently insufficient to determine the role of this variant in disease. Therefore, it has been classified as a Variant of Uncertain Significance. Experimental studies have shown that this missense change affects KIT function (PMID: 22083669). An algorithm developed to predict the effect of missense changes on protein structure and function (PolyPhen-2) suggests that this variant is likely to be disruptive. ClinVar contains an entry for this variant (Variation ID: 458884). This missense change has been observed in individual(s) with multiple gastrointestinal stromal tumors (GISTs) (PMID: 22083669). This variant is not present in population databases (gnomAD no frequency).

Ambry Genetics
Classification: Uncertain significance for Hereditary cancer-predisposing syndrome. Last evaluated: 2021-04-02. Review status: criteria provided, single submitter. Criteria: Ambry Variant Classification Scheme 2023. Collection method: clinical testing. Allele origin: germline.
Comment: The p.Y553C variant (also known as c.1658A>G), located in coding exon 11 of the KIT gene, results from an A to G substitution at nucleotide position 1658. The tyrosine at codon 553 is replaced by cysteine, an amino acid with highly dissimilar properties. This amino acid position is highly conserved in available vertebrate species. In addition, this alteration is predicted to be deleterious by in silico analysis. Since supporting evidence is limited at this time, the clinical significance of this alteration remains unclear.

Literature cited by the submitters: PubMed 22083669 (cited by Labcorp Genetics (formerly Invitae), Labcorp and Ambry Genetics).